The following is an entry in ClinVar:

ClinVar aggregate classification (germline): Uncertain significance (1 of 4 stars; one submission).

gnomAD v4.1: 5 of 1,609,370 alleles (0.00031%); highest among the groups gnomAD compares: Admixed American, 0.005%; no homozygotes.

Submission:

GeneDx
Classification: Uncertain significance. Last evaluated: 2025-03-11. Review status: criteria provided, single submitter. Criteria: GeneDx Variant Classification Process June 2021. Collection method: clinical testing. Allele origin: germline. Affected: yes.
Comment: Not observed at significant frequency in large population cohorts (gnomAD); In silico analysis supports that this missense variant has a deleterious effect on protein structure/function; Has not been previously published as pathogenic or benign to our knowledge

NM_001080453.3(INTS1):c.1715T>C (p.Leu572Pro)

Gene: INTS1 (integrator complex subunit 1; minus strand). Cytogenetic location: 7p22.3.
Variant type: single nucleotide variant.
Coding change: c.1715T>C on transcript NM_001080453.3 (MANE Select); coding-DNA position 1715, T replaced by C.
Protein change: p.Leu572Pro; replaces leucine 572 with proline.
Molecular consequence: missense variant.
Genome position (GRCh38, 1-based): chr7:1,495,550, A>G on the plus strand (T>C on the coding strand, the complement: INTS1 is on the minus strand). VCF-style: chr7-1495550-A-G. GRCh37 (hg19) VCF-style: chr7-1535186-A-G.
Other names: short protein forms L572P.
Identifiers: ClinVar variation 4083308 (VCV004083308.1).